The following is an entry in ClinVar:

ClinVar aggregate classification (germline): Uncertain significance. Review status: criteria provided, multiple submitters, no conflicts (2 of 4 stars). 2 submissions from 2 submitters: Uncertain significance (2). Last evaluated 2024-02-07.

Conditions:
Hereditary cancer-predisposing syndrome. Also called: Hereditary Cancer Syndrome; Neoplastic Syndromes, Hereditary; Hereditary neoplastic syndrome; Tumor predisposition. Identifiers: Orphanet 140162, MedGen C0027672, MeSH D009386, MONDO:0015356.
Hereditary breast ovarian cancer syndrome. Also called: BRCA1- and BRCA2-Associated Hereditary Breast and Ovarian Cancer; Hereditary breast and ovarian cancer syndrome; Hereditary breast and/or ovarian cancer syndrome; Breast and ovarian cancer; Hereditary breast and ovarian cancer; Hereditary breast and ovarian cancer syndrome (HBOC). Identifiers: Orphanet 145, MedGen C0677776, MeSH D061325, MONDO:0003582. Disease mechanism: loss of function.

Submissions (2):

Ambry Genetics
Classification: Uncertain significance for Hereditary cancer-predisposing syndrome. Last evaluated: 2024-02-07. Review status: criteria provided, single submitter. Criteria: Ambry Variant Classification Scheme 2023. Collection method: clinical testing. Allele origin: germline.
Comment: The c.486_488delGAG variant (also known as p.S163del) is located in coding exon 5 of the BRCA2 gene. This variant results from an in-frame GAG deletion at nucleotide positions 486 to 488. This results in the in-frame deletion of a serine at codon 163. This amino acid position is well conserved in available vertebrate species. In addition, the in silico prediction for this alteration is inconclusive (Choi Y et al. PLoS ONE. 2012; 7(10):e46688). Based on the available evidence, the clinical significance of this alteration remains unclear.

Labcorp Genetics (formerly Invitae), Labcorp
Classification: Uncertain significance for Hereditary breast ovarian cancer syndrome. Last evaluated: 2023-06-04. Review status: criteria provided, single submitter. Criteria: Invitae Variant Classification Sherloc (09022015). Collection method: clinical testing. Allele origin: germline.
Comment: In summary, the available evidence is currently insufficient to determine the role of this variant in disease. Therefore, it has been classified as a Variant of Uncertain Significance. This variant, c.486_488del, results in the deletion of 1 amino acid(s) of the BRCA2 protein (p.Ser163del), but otherwise preserves the integrity of the reading frame. This variant is not present in population databases (gnomAD no frequency). This variant has not been reported in the literature in individuals affected with BRCA2-related conditions. ClinVar contains an entry for this variant (Variation ID: 142631). Experimental studies and prediction algorithms are not available or were not evaluated, and the functional significance of this variant is currently unknown.

NM_000059.4(BRCA2):c.486_488del (p.Ser163del)

Gene: BRCA2 (BRCA2 DNA repair associated; plus strand). Cytogenetic location: 13q13.1.
Variant type: Deletion.
Coding change: c.486_488del on transcript NM_000059.4 (MANE Select); coding-DNA positions 486 to 488, 3 bases deleted (GAG; older notation c.486_488delGAG).
Protein change: p.Ser163del; deletes serine 163.
Molecular consequence: inframe deletion.
Genome position (GRCh38, 1-based): chr13:32,326,252-32,326,254, GAG deleted; deleting any 3 consecutive bases within chr13:32,326,251-32,326,254 gives the same sequence; the c. name uses the placement nearest the transcript's 3' end. VCF-style (leftmost placement, unchanged base first): chr13-32326250-GGGA-G. GRCh37 (hg19) VCF-style: chr13-32900387-GGGA-G.
Other names: c.486_488delGAG (NM_000059.3); short protein forms S163del.
Identifiers: ClinVar variation 142631 (VCV000142631.15), dbSNP rs587782600, ClinGen allele CA020935.